The following is an entry in ClinVar:

NM_001999.4(FBN2):c.7712-11T>A

Gene: FBN2 (fibrillin 2; minus strand). Cytogenetic location: 5q23.3.
Variant type: single nucleotide variant.
Coding change: c.7712-11T>A on transcript NM_001999.4 (MANE Select); 11 bases into the intron before coding-DNA position 7712, T replaced by A.
Molecular consequence: intron variant.
Genome position (GRCh38, 1-based): chr5:128,273,979, A>T on the plus strand (T>A on the coding strand, the complement: FBN2 is on the minus strand). VCF-style: chr5-128273979-A-T. GRCh37 (hg19) VCF-style: chr5-127609671-A-T.
Identifiers: ClinVar variation 1503134 (VCV001503134.6), dbSNP rs776926809, ClinGen allele CA3394032.

ClinVar aggregate classification (germline): Uncertain significance (1 of 4 stars; one submission).

Conditions:
Congenital contractural arachnodactyly (CCA). Also called: Beals-Hecht syndrome; BEALS SYNDROME; Arthrogryposis, distal, type 9. Identifiers: Orphanet 115, MedGen C0220668, MONDO:0007363, OMIM 121050.

Allele frequency attached by ClinVar (database versions not stated): TOPMed below 0.00001; ExAC 0.00001; gnomAD exomes 0.00001 and 0.00002.
gnomAD v4.1: 21 of 1,613,912 alleles (0.0013%); highest among the groups gnomAD compares: Non-Finnish European, 0.0018%; no homozygotes.

Submission:

Labcorp Genetics (formerly Invitae), Labcorp
Classification: Uncertain significance for Congenital contractural arachnodactyly. Last evaluated: 2021-08-23. Review status: criteria provided, single submitter. Criteria: Invitae Variant Classification Sherloc (09022015). Collection method: clinical testing. Allele origin: germline.
Comment: This sequence change falls in intron 60 of the FBN2 gene. It does not directly change the encoded amino acid sequence of the FBN2 protein. This variant is present in population databases (rs776926809, ExAC 0.002%). This variant has not been reported in the literature in individuals affected with FBN2-related conditions. Algorithms developed to predict the effect of sequence changes on RNA splicing suggest that this variant may create or strengthen a splice site. In summary, the available evidence is currently insufficient to determine the role of this variant in disease. Therefore, it has been classified as a Variant of Uncertain Significance.